The following is an entry in ClinVar:

NM_020745.4(AARS2):c.109G>A (p.Ala37Thr)

Gene: AARS2 (alanyl-tRNA synthetase 2, mitochondrial; minus strand). Cytogenetic location: 6p21.1.
Variant type: single nucleotide variant.
Coding change: c.109G>A on transcript NM_020745.4 (MANE Select); coding-DNA position 109, G replaced by A.
Protein change: p.Ala37Thr; replaces alanine 37 with threonine.
Molecular consequence: missense variant.
Genome position (GRCh38, 1-based): chr6:44,313,215, C>T on the plus strand (G>A on the coding strand, the complement: AARS2 is on the minus strand). VCF-style: chr6-44313215-C-T. GRCh37 (hg19) VCF-style: chr6-44280952-C-T.
Other names: short protein forms A37T.
Identifiers: ClinVar variation 1461529 (VCV001461529.8), dbSNP rs1786528628, ClinGen allele CA364342165.
Genomic context (GRCh38, chr6:44,313,215, plus strand): 5'-GGTGGCCATGGCGGTCCCGAAAGAAGTTCAGAAAGGCGGCCCTCACGGCCGAGGCCTTGG[C>T]TGCAGGGGGCTCCGATGAGAGCGGCCGATGGCTGAGGCCCCGCCATGCGGGCGACCTTCG-3'
Protein context (NP_065796.2, residues 27-47): HRPLSSEPPA[Ala37Thr]KASAVRAAFL

ClinVar aggregate classification (germline): Uncertain significance. Review status: criteria provided, multiple submitters, no conflicts (2 of 4 stars). 2 submissions from 2 submitters: Uncertain significance (2). Last evaluated 2022-08-02.

Conditions:
Inborn genetic diseases. Identifiers: MedGen C0950123, MeSH D030342.

Allele frequency attached by ClinVar (database versions not stated): TOPMed below 0.00001.

Submissions (2):

Ambry Genetics
Classification: Uncertain significance for Inborn genetic diseases. Last evaluated: 2022-08-02. Review status: criteria provided, single submitter. Criteria: Ambry Variant Classification Scheme 2023. Collection method: clinical testing. Allele origin: germline.

Labcorp Genetics (formerly Invitae), Labcorp
Classification: Uncertain significance. Last evaluated: 2022-07-26. Review status: criteria provided, single submitter. Criteria: Invitae Variant Classification Sherloc (09022015). Collection method: clinical testing. Allele origin: germline.
Comment: In summary, the available evidence is currently insufficient to determine the role of this variant in disease. Therefore, it has been classified as a Variant of Uncertain Significance. Advanced modeling of protein sequence and biophysical properties (such as structural, functional, and spatial information, amino acid conservation, physicochemical variation, residue mobility, and thermodynamic stability) performed at Invitae indicates that this missense variant is not expected to disrupt AARS2 protein function. ClinVar contains an entry for this variant (Variation ID: 1461529). This variant has not been reported in the literature in individuals affected with AARS2-related conditions. This variant is not present in population databases (gnomAD no frequency). This sequence change replaces alanine, which is neutral and non-polar, with threonine, which is neutral and polar, at codon 37 of the AARS2 protein (p.Ala37Thr).